The following is an entry in ClinVar:

NM_000179.3(MSH6):c.460T>C (p.Ser154Pro)

Gene: MSH6 (mutS homolog 6; plus strand). Cytogenetic location: 2p16.3.
Variant type: single nucleotide variant.
Coding change: c.460T>C on transcript NM_000179.3 (MANE Select); coding-DNA position 460, T replaced by C.
Protein change: p.Ser154Pro; replaces serine 154 with proline.
Molecular consequence: missense variant. On other transcripts: 5 prime UTR variant (1), intron variant (2).
Genome position (GRCh38, 1-based): chr2:47,795,896, T>C. VCF-style: chr2-47795896-T-C. GRCh37 (hg19) VCF-style: chr2-48023035-T-C.
Other names: c.-443T>C (NM_001281494.2); c.-279-2715T>C (NM_001281493.2); c.238-2715T>C (NM_001281492.2); short protein forms S154P.
Identifiers: ClinVar variation 850459 (VCV000850459.10), dbSNP rs1669051626, ClinGen allele CA346738558.

ClinVar aggregate classification (germline): Uncertain significance (1 of 4 stars; one submission).

Conditions:
Hereditary nonpolyposis colorectal neoplasms. Identifiers: MedGen C0009405, MeSH D003123.

Submission:

Labcorp Genetics (formerly Invitae), Labcorp
Classification: Uncertain significance for Hereditary nonpolyposis colorectal neoplasms. Last evaluated: 2021-08-02. Review status: criteria provided, single submitter. Criteria: Invitae Variant Classification Sherloc (09022015). Collection method: clinical testing. Allele origin: germline.
Comment: This sequence change replaces serine with proline at codon 154 of the MSH6 protein (p.Ser154Pro). The serine residue is moderately conserved and there is a moderate physicochemical difference between serine and proline. In summary, the available evidence is currently insufficient to determine the role of this variant in disease. Therefore, it has been classified as a Variant of Uncertain Significance. Algorithms developed to predict the effect of missense changes on protein structure and function are either unavailable or do not agree on the potential impact of this missense change (SIFT: "Deleterious"; PolyPhen-2: "Possibly Damaging"; Align-GVGD: "Class C0"). This variant has not been reported in the literature in individuals with MSH6-related conditions. This variant is not present in population databases (ExAC no frequency).